The following is an entry in ClinVar:

NM_024649.5(BBS1):c.1752G>A (p.Met584Ile)

Genes: BBS1 (Bardet-Biedl syndrome 1; plus strand), ZDHHC24 (zDHHC palmitoyltransferase 24; minus strand). Cytogenetic location: 11q13.2.
Variant type: single nucleotide variant.
Coding change: c.1752G>A on transcript NM_024649.5 (MANE Select); coding-DNA position 1752, G replaced by A.
Protein change: p.Met584Ile; replaces methionine 584 with isoleucine.
Molecular consequence: missense variant. On other transcripts: intron variant (1).
Genome position (GRCh38, 1-based): chr11:66,532,007, G>A. VCF-style: chr11-66532007-G-A. GRCh37 (hg19) VCF-style: chr11-66299478-G-A.
Other names: c.560-2519C>T (NM_001348571.2); short protein forms M584I.
Identifiers: ClinVar variation 1379366 (VCV001379366.8), dbSNP rs769773058, ClinGen allele CA6123885.
Genomic context (GRCh38, chr11:66,532,007, plus strand): 5'-ATAGGTGCTGGTGCTTCGAGAAGGCCAAAGTGCACCCCTGCTGAGTGCCCACGTCAACAT[G>A]CCTGGGAGCGAGGGGCTGGCGGCCGCCTGAGACCTGAGCTGCTGTGAAAGCCCCTGCACA-3'
Protein context (NP_078925.3, residues 574-593): SAPLLSAHVN[Met584Ile]PGSEGLAAA

ClinVar aggregate classification (germline): Uncertain significance. Review status: criteria provided, multiple submitters, no conflicts (2 of 4 stars). 3 submissions from 3 submitters: Uncertain significance (3). Last evaluated 2022-07-14.

Conditions:
Bardet-Biedl syndrome 1 (BBS1). Identifiers: MedGen C2936862, MONDO:0008854, OMIM 209900. Disease mechanism: loss of function.
Bardet-Biedl syndrome (BBS). Identifiers: Orphanet 110, MedGen C0752166, MONDO:0015229.

Allele frequency attached by ClinVar (database versions not stated): ExAC 0.00001.
gnomAD v4.1: 3 of 1,607,954 alleles (0.00019%); highest among the groups gnomAD compares: Non-Finnish European, 0.00025%; no homozygotes.

Submissions (3):

Labcorp Genetics (formerly Invitae), Labcorp
Classification: Uncertain significance for Bardet-Biedl syndrome. Last evaluated: 2022-07-14. Review status: criteria provided, single submitter. Criteria: Invitae Variant Classification Sherloc (09022015). Collection method: clinical testing. Allele origin: germline.
Comment: This sequence change replaces methionine, which is neutral and non-polar, with isoleucine, which is neutral and non-polar, at codon 584 of the BBS1 protein (p.Met584Ile). The frequency data for this variant in the population databases is considered unreliable, as metrics indicate poor data quality at this position in the gnomAD database. This variant has not been reported in the literature in individuals affected with BBS1-related conditions. ClinVar contains an entry for this variant (Variation ID: 1379366). Algorithms developed to predict the effect of missense changes on protein structure and function are either unavailable or do not agree on the potential impact of this missense change (SIFT: "Deleterious"; PolyPhen-2: "Possibly Damaging"; Align-GVGD: "Class C0"). In summary, the available evidence is currently insufficient to determine the role of this variant in disease. Therefore, it has been classified as a Variant of Uncertain Significance.

Fulgent Genetics
Classification: Uncertain significance for Bardet-Biedl syndrome 1. Last evaluated: 2021-11-06. Review status: criteria provided, single submitter. Criteria: ACMG Guidelines, 2015. Collection method: clinical testing. Allele origin: unknown.

Blueprint Genetics
Classification: Uncertain significance. Last evaluated: 2020-01-20. Review status: criteria provided, single submitter. Criteria: ACMG Guidelines, 2015. Collection method: clinical testing. Allele origin: germline.